The following is an entry in ClinVar:

ClinVar aggregate classification (germline): Likely benign. Review status: criteria provided, multiple submitters, no conflicts (2 of 4 stars). 2 submissions from 2 submitters: Likely benign (2). Last evaluated 2018-01-13.

Conditions:
Surfactant metabolism dysfunction, pulmonary, 1. Also called: INTERSTITIAL LUNG DISEASE DUE TO SURFACTANT PROTEIN B DEFICIENCY; INTERSTITIAL LUNG DISEASE, NONSPECIFIC, DUE TO SURFACTANT PROTEIN B DEFICIENCY; PULMONARY ALVEOLAR PROTEINOSIS, CONGENITAL, 1; Pulmonary surfactant protein B, deficiency of; Neonatal acute respiratory distress due to SP-B deficiency. Identifiers: Orphanet 217563, MedGen C1968602, MONDO:0009929, OMIM 265120.

Allele frequency attached by ClinVar (database versions not stated): 1000 Genomes Project 0.00060; 1000 Genomes Project 30x 0.00062; gnomAD 0.00118 and 0.00123; TOPMed 0.00159.

Submissions (2):

Illumina Laboratory Services, Illumina
Classification: Likely benign for Surfactant metabolism dysfunction, pulmonary, 1. Last evaluated: 2018-01-13. Review status: criteria provided, single submitter. Criteria: ICSL Variant Classification Criteria 13 December 2019. Collection method: clinical testing. Allele origin: germline.
Comment: This variant was observed in the ICSL laboratory as part of a predisposition screen in an ostensibly healthy population. It had not been previously curated by ICSL or reported in the Human Gene Mutation Database (HGMD: prior to June 1st, 2018), and was therefore a candidate for classification through an automated scoring system. Utilizing variant allele frequency, disease prevalence and penetrance estimates, and inheritance mode, an automated score was calculated to assess if this variant is too frequent to cause the disease. Based on the score and internal cut-off values, a variant classified as likely benign is not then subjected to further curation. The score for this variant resulted in a classification of likely benign for this disease.

Breakthrough Genomics
Classification: Likely benign. Review status: criteria provided, single submitter. Criteria: ACMG Guidelines, 2015. Collection method: not provided. Allele origin: germline. Inheritance: Autosomal recessive inheritance. Affected: yes.

NM_000542.5(SFTPB):c.*1498T>C

Gene: SFTPB (surfactant protein B; minus strand). Cytogenetic location: 2p11.2.
Variant type: single nucleotide variant.
Coding change: c.*1498T>C on transcript NM_000542.5 (MANE Select); 1498 bases downstream of the stop codon, T replaced by C.
Molecular consequence: 3 prime UTR variant.
Genome position (GRCh38, 1-based): chr2:85,658,204, A>G on the plus strand (T>C on the coding strand, the complement: SFTPB is on the minus strand). VCF-style: chr2-85658204-A-G. GRCh37 (hg19) VCF-style: chr2-85885327-A-G.
Other names: c.*577T>C (NM_001367281.2); c.*671T>C (NM_198843.4).
Identifiers: ClinVar variation 895188 (VCV000895188.5), dbSNP rs542165602, ClinGen allele CA51748254.